The following is an entry in ClinVar:

ClinVar aggregate classification (germline): Likely benign. Review status: criteria provided, multiple submitters, no conflicts (2 of 4 stars). 4 submissions from 4 submitters: Likely benign (4). Last evaluated 2026-08-03.

Conditions:
Ehlers-Danlos syndrome, type 4 (EDSVASC). Also called: Ehlers-Danlos syndrome vascular type; Ehlers Danlos syndrome, ecchymotic type; Ehlers Danlos syndrome, arterial type; Ehlers Danlos syndrome, Sack-Barabas type; Ehlers-Danlos Syndrome Type IV. Identifiers: Orphanet 286, MedGen C0268338, MONDO:0017314, OMIM 130050.
Familial thoracic aortic aneurysm and aortic dissection (TAAD). Also called: Thoracic aortic aneurysms and dissections. Identifiers: Orphanet 91387, MedGen C4707243, MONDO:0019625.

Allele frequency attached by ClinVar (database versions not stated): TOPMed 0.00002.

Submissions (4):

Ambry Genetics
Classification: Likely benign for Familial thoracic aortic aneurysm and aortic dissection. Last evaluated: 2026-08-03. Review status: criteria provided, single submitter. Criteria: Ambry Variant Classification Scheme 2023. Collection method: clinical testing. Allele origin: germline.

Labcorp Genetics (formerly Invitae), Labcorp
Classification: Likely benign for Ehlers-Danlos syndrome, type 4. Last evaluated: 2025-08-13. Review status: criteria provided, single submitter. Criteria: Invitae Variant Classification Sherloc (09022015). Collection method: clinical testing. Allele origin: germline.

All of Us Research Program, National Institutes of Health
Classification: Likely benign for Ehlers-Danlos syndrome, type 4. Last evaluated: 2023-10-02. Review status: criteria provided, single submitter. Criteria: ACMG Guidelines, 2015. Collection method: clinical testing. Allele origin: germline. Inheritance: Autosomal dominant inheritance. Observed: 1 variant allele, 1 heterozygote.
Comment: This study involves interpretation of variants in research participants for the purpose of population health screening. Participant phenotype was not available at the time of variant classification. Additional details can be found in publication PMID: 35346344, PMCID: PMC8962531

Color Diagnostics, LLC DBA Color Health
Classification: Likely benign for Familial thoracic aortic aneurysm and aortic dissection. Last evaluated: 2022-11-06. Review status: criteria provided, single submitter. Criteria: ACMG Guidelines, 2015. Collection method: clinical testing. Allele origin: germline.

NM_000090.4(COL3A1):c.2238A>G (p.Pro746=)

Gene: COL3A1 (collagen type III alpha 1 chain; plus strand). Cytogenetic location: 2q32.2.
Variant type: single nucleotide variant.
Coding change: c.2238A>G on transcript NM_000090.4 (MANE Select); coding-DNA position 2238, A replaced by G.
Protein change: p.Pro746=; no amino-acid change (proline 746 retained).
Molecular consequence: synonymous variant.
Genome position (GRCh38, 1-based): chr2:188,999,850, A>G. VCF-style: chr2-188999850-A-G. GRCh37 (hg19) VCF-style: chr2-189864576-A-G.
Identifiers: ClinVar variation 529329 (VCV000529329.12), dbSNP rs1311262989, ClinGen allele CA430310763.